The following is an entry in ClinVar:

ClinVar aggregate classification (germline): Uncertain significance (1 of 4 stars; one submission).

Allele frequency attached by ClinVar (database versions not stated): TOPMed below 0.00001; gnomAD 0.00001.
gnomAD v4.1: 1 of 1,595,472 alleles (0.000063%); highest among the groups gnomAD compares: African/African-American, 0.0013%; no homozygotes.

Submission:

GeneDx
Classification: Uncertain significance. Last evaluated: 2022-12-30. Review status: criteria provided, single submitter. Criteria: GeneDx Variant Classification Process June 2021. Collection method: clinical testing. Allele origin: germline. Affected: yes.
Comment: Not observed at significant frequency in large population cohorts (gnomAD); In silico analysis supports that this missense variant does not alter protein structure/function; Has not been previously published as pathogenic or benign to our knowledge

NM_020822.3(KCNT1):c.3417C>A (p.Ser1139Arg)

Gene: KCNT1 (potassium sodium-activated channel subfamily T member 1; plus strand). Cytogenetic location: 9q34.3.
Variant type: single nucleotide variant.
Coding change: c.3417C>A on transcript NM_020822.3 (MANE Select); coding-DNA position 3417, C replaced by A.
Protein change: p.Ser1139Arg; replaces serine 1139 with arginine.
Molecular consequence: missense variant.
Genome position (GRCh38, 1-based): chr9:135,786,436, C>A. VCF-style: chr9-135786436-C-A. GRCh37 (hg19) VCF-style: chr9-138678282-C-A.
Other names: c.3282C>A, p.Ser1094Arg (NM_001272003.2); short protein forms S1094R, S1139R.
Identifiers: ClinVar variation 2507334 (VCV002507334.1), dbSNP rs1834057026, ClinGen allele CA375492101.